The following is an entry in ClinVar:

NM_004067.4(CHN2):c.914-22TC[6]

Gene: CHN2 (chimerin 2; plus strand). Cytogenetic location: 7p14.3.
Variant type: Microsatellite.
Coding change: c.914-22TC[6] on transcript NM_004067.4 (MANE Select); six copies in a row of the 2-base unit TC starting at c.914-22.
Molecular consequence: intron variant.
Genome position: GRCh38 VCF-style: chr7-29504721-GTCTC-G. GRCh37 (hg19) VCF-style: chr7-29544337-GTCTC-G.
Other names: NM_001293069.1:c.1139-9_1139-6delCTCT; c.476-22TC[6] (NM_001398427.1); c.953-22TC[6] (NM_001293070.2); c.809-22TC[6] (NM_001293071.2); c.869-22TC[6] (NM_001293072.2); c.506-22TC[6] (NM_001039936.3, NM_001293080.2, NM_001293079.2); c.506-4579TC[6] (NM_001293077.2); c.332-22TC[6] (NM_001293076.2, NM_001293078.2); and 2 more.
Identifiers: ClinVar variation 3050151 (VCV003050151.2), dbSNP rs10633708, ClinGen allele CA4202271.

ClinVar aggregate classification (germline): Likely benign (0 of 4 stars; one submission).

Conditions:
CHN2-related disorder. Also called: CHN2-related condition.

Submission:

PreventionGenetics, part of Exact Sciences
Classification: Likely benign for CHN2-related condition. Last evaluated: 2023-08-24. Review status: no assertion criteria provided. Collection method: clinical testing. Allele origin: germline.
Comment: This variant is classified as likely benign based on ACMG/AMP sequence variant interpretation guidelines (Richards et al. 2015 PMID: 25741868, with internal and published modifications).